The following is an entry in ClinVar:

ClinVar aggregate classification (germline): Likely benign. Review status: criteria provided, single submitter (1 of 4 stars). 2 submissions from 2 submitters: Likely benign (1). 1 of the submissions does not count toward it. Last evaluated 2021-10-12.

Conditions:
Inborn genetic diseases. Identifiers: MedGen C0950123, MeSH D030342.
ZNF462-related disorder. Also called: ZNF462-related condition; ZNF462 related disease.

Allele frequency attached by ClinVar (database versions not stated): 1000 Genomes Project 30x 0.00016; 1000 Genomes Project 0.00020; gnomAD 0.00028; TOPMed 0.00032; ExAC 0.00035; ESP Exome Variant Server 0.00038; gnomAD exomes 0.00069.

Submissions (2):

Ambry Genetics
Classification: Likely benign for Inborn genetic diseases. Last evaluated: 2021-10-12. Review status: criteria provided, single submitter. Criteria: Ambry Variant Classification Scheme 2023. Collection method: clinical testing. Allele origin: germline.

PreventionGenetics, part of Exact Sciences
Classification: Likely benign for ZNF462-related condition. Last evaluated: 2023-04-14. Review status: no assertion criteria provided. Collection method: clinical testing. Allele origin: germline. Not counted in ClinVar's aggregate classification.
Comment: This variant is classified as likely benign based on ACMG/AMP sequence variant interpretation guidelines (Richards et al. 2015 PMID: 25741868, with internal and published modifications).

NM_021224.6(ZNF462):c.4826C>T (p.Ser1609Phe)

Gene: ZNF462 (zinc finger protein 462; plus strand). Cytogenetic location: 9q31.2.
Variant type: single nucleotide variant.
Coding change: c.4826C>T on transcript NM_021224.6 (MANE Select); coding-DNA position 4826, C replaced by T.
Protein change: p.Ser1609Phe; replaces serine 1609 with phenylalanine.
Molecular consequence: missense variant. On other transcripts: intron variant (1).
Genome position (GRCh38, 1-based): chr9:106,928,738, C>T. VCF-style: chr9-106928738-C-T. GRCh37 (hg19) VCF-style: chr9-109691019-C-T.
Other names: c.3252+1574C>T (NM_001347997.2); c.4826C>T (NM_021224.5); short protein forms S1609F.
Identifiers: ClinVar variation 2341050 (VCV002341050.4), dbSNP rs149337252, ClinGen allele CA5171890.